The following is an entry in ClinVar:

ClinVar aggregate classification (germline): Likely pathogenic (1 of 4 stars; one submission).

Conditions:
Fanconi anemia complementation group O. Also called: RAD51C-Related Fanconi Anemia. Identifiers: Orphanet 84, MedGen C3150653, MONDO:0013248, OMIM 613390.

Submission:

Labcorp Genetics (formerly Invitae), Labcorp
Classification: Likely pathogenic for Fanconi anemia complementation group O. Last evaluated: 2019-04-04. Review status: criteria provided, single submitter. Criteria: Invitae Variant Classification Sherloc (09022015). Collection method: clinical testing. Allele origin: unknown.
Comment: In summary, the currently available evidence indicates that the variant is pathogenic, but additional data are needed to prove that conclusively. Therefore, this variant has been classified as Likely Pathogenic. Loss-of-function variants in RAD51C are known to be pathogenic (PMID: 20400964, 21990120, 24800917). This variant has not been reported in the literature in individuals with RAD51C-related conditions. This variant is a deletion of the genomic region encompassing part of exon 4 (c.571+3012_589del) of the RAD51C gene. It is expected to disrupt RNA splicing and likely results in an absent or disrupted protein product.

Literature cited by the submitters: PubMed 20400964; PubMed 21990120; PubMed 24800917.

NC_000017.10:g.(?_56777232)_(56780574_?)del

Gene: RAD51C (RAD51 paralog C; plus strand). Cytogenetic location: 17q22.
Variant type: Deletion.
Identifiers: ClinVar variation 3243093 (VCV003243093.1).